The following is an entry in ClinVar:

ClinVar aggregate classification (germline): Benign (1 of 4 stars; one submission).

Conditions:
Thyroid hormone resistance, generalized, autosomal dominant (GRTHD). Also called: HYPERTHYROXINEMIA, FAMILIAL EUTHYROID, SECONDARY TO PITUITARY AND PERIPHERAL RESISTANCE TO THYROID HORMONES. Identifiers: MedGen C2937288, MONDO:0008569, OMIM 188570.

Allele frequency attached by ClinVar (database versions not stated): 1000 Genomes Project 30x 0.00047; gnomAD 0.00054 and 0.00056; TOPMed 0.00059; 1000 Genomes Project 0.00080.

Submission:

Illumina Laboratory Services, Illumina
Classification: Benign for Thyroid hormone resistance, generalized, autosomal dominant. Last evaluated: 2018-01-13. Review status: criteria provided, single submitter. Criteria: ICSL Variant Classification Criteria 13 December 2019. Collection method: clinical testing. Allele origin: germline.
Comment: This variant was observed in the ICSL laboratory as part of a predisposition screen in an ostensibly healthy population. It had not been previously curated by ICSL or reported in the Human Gene Mutation Database (HGMD: prior to June 1st, 2018), and was therefore a candidate for classification through an automated scoring system. Utilizing variant allele frequency, disease prevalence and penetrance estimates, and inheritance mode, an automated score was calculated to assess if this variant is too frequent to cause the disease. Based on the score and internal cut-off values, a variant classified as benign is not then subjected to further curation. The score for this variant resulted in a classification of benign for this disease.

NM_001354712.2(THRB):c.*3292G>A

Gene: THRB (thyroid hormone receptor beta; minus strand). Cytogenetic location: 3p24.2.
Variant type: single nucleotide variant.
Coding change: c.*3292G>A on transcript NM_001354712.2 (MANE Select); 3292 bases downstream of the stop codon, G replaced by A.
Molecular consequence: 3 prime UTR variant.
Genome position (GRCh38, 1-based): chr3:24,119,592, C>T on the plus strand (G>A on the coding strand, the complement: THRB is on the minus strand). VCF-style: chr3-24119592-C-T. GRCh37 (hg19) VCF-style: chr3-24161083-C-T.
Other names: c.*3292G>A (NM_000461.5, NM_001128176.3, NM_001128177.2 and 8 more transcripts).
Identifiers: ClinVar variation 344578 (VCV000344578.5), dbSNP rs144912030, ClinGen allele CA10617944.